The following is an entry in ClinVar:

ClinVar aggregate classification (germline): Uncertain significance (1 of 4 stars; one submission).

gnomAD v4.1: 8 of 1,614,070 alleles (0.0005%); highest among the groups gnomAD compares: Admixed American, 0.0083%; no homozygotes.

Submission:

Labcorp Genetics (formerly Invitae), Labcorp
Classification: Uncertain significance. Last evaluated: 2025-09-03. Review status: criteria provided, single submitter. Criteria: Invitae Variant Classification Sherloc (09022015). Collection method: clinical testing. Allele origin: germline.
Comment: This sequence change replaces serine, which is neutral and polar, with proline, which is neutral and non-polar, at codon 497 of the GANAB protein (p.Ser497Pro). This variant is present in population databases (rs780058278, gnomAD 0.009%). This variant has not been reported in the literature in individuals affected with GANAB-related conditions. Invitae Evidence Modeling of protein sequence and biophysical properties (such as structural, functional, and spatial information, amino acid conservation, physicochemical variation, residue mobility, and thermodynamic stability) indicates that this missense variant is not expected to disrupt GANAB protein function with a negative predictive value of 80%. In summary, the available evidence is currently insufficient to determine the role of this variant in disease. Therefore, it has been classified as a Variant of Uncertain Significance.

NM_198334.3(GANAB):c.1423T>C (p.Ser475Pro)

Gene: GANAB (glucosidase II alpha subunit; minus strand). Cytogenetic location: 11q12.3.
Variant type: single nucleotide variant.
Coding change: c.1423T>C on transcript NM_198334.3 (MANE Select); coding-DNA position 1423, T replaced by C.
Protein change: p.Ser475Pro; replaces serine 475 with proline.
Molecular consequence: missense variant.
Genome position (GRCh38, 1-based): chr11:62,630,469, A>G on the plus strand (T>C on the coding strand, the complement: GANAB is on the minus strand). VCF-style: chr11-62630469-A-G. GRCh37 (hg19) VCF-style: chr11-62397941-A-G.
Other names: c.1147T>C, p.Ser383Pro (NM_001278192.2); c.1081T>C, p.Ser361Pro (NM_001278193.2); c.1132T>C, p.Ser378Pro (NM_001278194.2, NM_001329222.2, NM_001329223.2); c.700T>C, p.Ser234Pro (NM_001329224.2, NM_001329225.2); c.1489T>C, p.Ser497Pro (NM_198335.4); short protein forms S234P, S378P, S361P, S383P, S475P, S497P.
Identifiers: ClinVar variation 4760631 (VCV004760631.1).